The following is an entry in ClinVar:

NM_145038.5(DRC1):c.145G>T (p.Ala49Ser)

Gene: DRC1 (dynein regulatory complex subunit 1; plus strand). Cytogenetic location: 2p23.3.
Variant type: single nucleotide variant.
Coding change: c.145G>T on transcript NM_145038.5 (MANE Select); coding-DNA position 145, G replaced by T.
Protein change: p.Ala49Ser; replaces alanine 49 with serine.
Molecular consequence: missense variant.
Genome position (GRCh38, 1-based): chr2:26,402,134, G>T. VCF-style: chr2-26402134-G-T. GRCh37 (hg19) VCF-style: chr2-26625002-G-T.
Other names: short protein forms A49S.
Identifiers: ClinVar variation 957104 (VCV000957104.10), dbSNP rs771727269, ClinGen allele CA346126673.
Genomic context (GRCh38, chr2:26,402,134, plus strand): 5'-TCCGACAACTCTCAGGAGCGCATCCAGGCCCGGCGCCTCCGCATCGCTGCGCGCTTAGAA[G>T]CCCGGAGGCGGTGAGCGCGGGGGCGGGCGGGGCGGGATCCGCGCCGCAGGAGCCGGAGAA-3'
Protein context (NP_659475.2, residues 39-59): RRLRIAARLE[Ala49Ser]RRREALGEYL

ClinVar aggregate classification (germline): Uncertain significance (1 of 4 stars; one submission).

Conditions:
Primary ciliary dyskinesia. Also called: Ciliary dyskinesia. Identifiers: Orphanet 244, MedGen C0008780, MONDO:0016575, HP:0012265.

gnomAD v4.1: 3 of 1,606,552 alleles (0.00019%); highest among the groups gnomAD compares: Non-Finnish European, 0.000085%; no homozygotes.

Submission:

Labcorp Genetics (formerly Invitae), Labcorp
Classification: Uncertain significance for Primary ciliary dyskinesia. Last evaluated: 2022-08-09. Review status: criteria provided, single submitter. Criteria: Invitae Variant Classification Sherloc (09022015). Collection method: clinical testing. Allele origin: germline.
Comment: In summary, the available evidence is currently insufficient to determine the role of this variant in disease. Therefore, it has been classified as a Variant of Uncertain Significance. Algorithms developed to predict the effect of missense changes on protein structure and function are either unavailable or do not agree on the potential impact of this missense change (SIFT: "Deleterious"; PolyPhen-2: "Possibly Damaging"; Align-GVGD: "Class C0"). ClinVar contains an entry for this variant (Variation ID: 957104). This variant has not been reported in the literature in individuals affected with DRC1-related conditions. This variant is not present in population databases (gnomAD no frequency). This sequence change replaces alanine, which is neutral and non-polar, with serine, which is neutral and polar, at codon 49 of the DRC1 protein (p.Ala49Ser).